The following is an entry in ClinVar:

ClinVar aggregate classification (germline): Uncertain significance. Review status: criteria provided, multiple submitters, no conflicts (2 of 4 stars). 2 submissions from 2 submitters: Uncertain significance (2). Last evaluated 2018-10-31.

Conditions:
Infantile-onset ascending hereditary spastic paralysis (IAHSP). Also called: Autosomal Recessive Juvenile Amyotrophic Lateral Sclerosis; Infantile-Onset Ascending Hereditary Spastic Paralysis (IAHSP). Identifiers: Orphanet 293168, MedGen C2931441, MONDO:0011797, OMIM 607225. Disease mechanism: loss of function.
Juvenile primary lateral sclerosis (PLSJ). Also called: Juvenile Primary Lateral Sclerosis (JPLS). Identifiers: Orphanet 247604, MedGen C1853396, MONDO:0011663, OMIM 606353.
Amyotrophic lateral sclerosis type 2, juvenile. Also called: ALS, JUVENILE; Amyotrophic lateral sclerosis type 2. Identifiers: Orphanet 300605, MedGen C1859807, MONDO:0008780, OMIM 205100.

Allele frequency attached by ClinVar (database versions not stated): gnomAD exomes below 0.00001; ExAC 0.00001; TOPMed 0.00001; gnomAD 0.00002.
gnomAD v4.1: 6 of 1,614,084 alleles (0.00037%); highest among the groups gnomAD compares: Non-Finnish European, 0.00051%; no homozygotes.

Submissions (2):

Fulgent Genetics
Classification: Uncertain significance for Amyotrophic lateral sclerosis type 2, juvenile; Juvenile primary lateral sclerosis; Infantile-onset ascending hereditary spastic paralysis. Last evaluated: 2018-10-31. Review status: criteria provided, single submitter. Criteria: ACMG Guidelines, 2015. Collection method: clinical testing. Allele origin: unknown.

Labcorp Genetics (formerly Invitae), Labcorp
Classification: Uncertain significance for Infantile-onset ascending hereditary spastic paralysis. Last evaluated: 2018-05-07. Review status: criteria provided, single submitter. Criteria: Invitae Variant Classification Sherloc (09022015). Collection method: clinical testing. Allele origin: germline.
Comment: In summary, the available evidence is currently insufficient to determine the role of this variant in disease. Therefore, it has been classified as a Variant of Uncertain Significance. Algorithms developed to predict the effect of missense changes on protein structure and function do not agree on the potential impact of this missense change (SIFT: "Deleterious"; PolyPhen-2: "Probably Damaging"; Align-GVGD: "Class C0"). This variant has not been reported in the literature in individuals with ALS2-related disease. This variant is present in population databases (rs781051642, ExAC 0.01%). This sequence change replaces lysine with methionine at codon 1045 of the ALS2 protein (p.Lys1045Met). The lysine residue is highly conserved and there is a moderate physicochemical difference between lysine and methionine.

NM_020919.4(ALS2):c.3134A>T (p.Lys1045Met)

Gene: ALS2 (alsin Rho guanine nucleotide exchange factor ALS2; minus strand). Cytogenetic location: 2q33.1.
Variant type: single nucleotide variant.
Coding change: c.3134A>T on transcript NM_020919.4 (MANE Select); coding-DNA position 3134, A replaced by T.
Protein change: p.Lys1045Met; replaces lysine 1045 with methionine.
Molecular consequence: missense variant.
Genome position (GRCh38, 1-based): chr2:201,726,712, T>A on the plus strand (A>T on the coding strand, the complement: ALS2 is on the minus strand). VCF-style: chr2-201726712-T-A. GRCh37 (hg19) VCF-style: chr2-202591435-T-A.
Other names: short protein forms K1045M.
Identifiers: ClinVar variation 580658 (VCV000580658.8), dbSNP rs781051642, ClinGen allele CA2057979.
Genomic context (GRCh38, chr2:201,726,712, plus strand): 5'-CAACATTTTCACCTGCCATGAGGCTTCCCTGAAAGCCAGCGTCCATCATAGGTGGCATCC[T>A]TTAGGCGAGGATCCTTGTAGAAAGTATATTTGGCACTGCGTGAAATGGGTGGTTCCTGTC-3'
Protein context (NP_065970.2, residues 1035-1055): KYTFYKDPRL[Lys1045Met]DATYDGRWLS